The following is an entry in ClinVar:

ClinVar aggregate classification (germline): Uncertain significance. Review status: criteria provided, multiple submitters, no conflicts (2 of 4 stars). 2 submissions from 2 submitters: Uncertain significance (2). Last evaluated 2024-06-13.

Conditions:
Infantile neuroaxonal dystrophy (NBIA2A). Also called: NEURODEGENERATION WITH BRAIN IRON ACCUMULATION 2A; SEITELBERGER DISEASE; Infantile neuroaxonal dystrophy 1. Identifiers: Orphanet 35069, MedGen C0270724, MONDO:0024457, OMIM 256600.

Allele frequency attached by ClinVar (database versions not stated): gnomAD exomes 0.00009; TOPMed 0.00003; ExAC 0.00008; gnomAD 0.00001.
gnomAD v4.1: 36 of 1,607,600 alleles (0.0022%); highest among the groups gnomAD compares: Admixed American, 0.044%; no homozygotes.

Submissions (2):

GeneDx
Classification: Uncertain significance. Last evaluated: 2024-06-13. Review status: criteria provided, single submitter. Criteria: GeneDx Variant Classification Process June 2021. Collection method: clinical testing. Allele origin: germline. Affected: yes.
Comment: In silico analysis supports that this missense variant has a deleterious effect on protein structure/function; Has not been previously published as pathogenic or benign to our knowledge

Labcorp Genetics (formerly Invitae), Labcorp
Classification: Uncertain significance for Infantile neuroaxonal dystrophy. Last evaluated: 2022-10-17. Review status: criteria provided, single submitter. Criteria: Invitae Variant Classification Sherloc (09022015). Collection method: clinical testing. Allele origin: germline.
Comment: This sequence change replaces arginine, which is basic and polar, with cysteine, which is neutral and slightly polar, at codon 793 of the PLA2G6 protein (p.Arg793Cys). This variant is present in population databases (rs766818779, gnomAD 0.06%). This variant has not been reported in the literature in individuals affected with PLA2G6-related conditions. ClinVar contains an entry for this variant (Variation ID: 1500186). Algorithms developed to predict the effect of missense changes on protein structure and function (SIFT, PolyPhen-2, Align-GVGD) all suggest that this variant is likely to be disruptive. In summary, the available evidence is currently insufficient to determine the role of this variant in disease. Therefore, it has been classified as a Variant of Uncertain Significance.

NM_003560.4(PLA2G6):c.2377C>T (p.Arg793Cys)

Gene: PLA2G6 (phospholipase A2 group VI; minus strand). Cytogenetic location: 22q13.1.
Variant type: single nucleotide variant.
Coding change: c.2377C>T on transcript NM_003560.4 (MANE Select); coding-DNA position 2377, C replaced by T.
Protein change: p.Arg793Cys; replaces arginine 793 with cysteine.
Molecular consequence: missense variant.
Genome position (GRCh38, 1-based): chr22:38,112,205, G>A on the plus strand (C>T on the coding strand, the complement: PLA2G6 is on the minus strand). VCF-style: chr22-38112205-G-A. GRCh37 (hg19) VCF-style: chr22-38508212-G-A.
Other names: c.2215C>T, p.Arg739Cys (NM_001004426.3, NM_001199562.3, NM_001349865.2 and 1 more transcripts); c.2377C>T, p.Arg793Cys (NM_001349864.2); c.1843C>T, p.Arg615Cys (NM_001349867.2); c.1699C>T, p.Arg567Cys (NM_001349868.2); c.1681C>T, p.Arg561Cys (NM_001349869.2); short protein forms R567C, R561C, R793C, R615C, R739C.
Identifiers: ClinVar variation 1500186 (VCV001500186.6), dbSNP rs766818779, ClinGen allele CA10230526.
Genomic context (GRCh38, chr22:38,112,205, plus strand): 5'-GAGAGGCTGGGGACCCTCAGGGTGAGAGCAGCAGCTGGATGAGCTTCTGGAACTCCTCGC[G>A]GTGCTCATAGATGTAGACCTCGGTCTCCCAGAGGGCGTTGACCAGCACTGTGTCACTGAC-3'
Protein context (NP_003551.2, residues 783-803): WETEVYIYEH[Arg793Cys]EEFQKLIQLL